The following is an entry in ClinVar:

ClinVar aggregate classification (germline): Likely benign (1 of 4 stars; one submission).

Allele frequency attached by ClinVar (database versions not stated): gnomAD 0.00006 and 0.00008; TOPMed 0.00006.
gnomAD v4.1: 23 of 1,614,162 alleles (0.0014%); highest among the groups gnomAD compares: African/African-American, 0.017%; no homozygotes.

Submission:

Laboratory for Molecular Medicine, Mass General Brigham Personalized Medicine
Classification: Likely benign. Last evaluated: 2017-08-23. Review status: criteria provided, single submitter. Criteria: LMM Criteria. Collection method: clinical testing. Allele origin: germline. Observed: 2 variant alleles.
Comment: p.Thr77Thr in exon 3 of SERPINB6: This variant is not expected to have clinical significance because it does not alter an amino acid residue and is not located within the splice consensus sequence. It has been identified in 0.03% (3/10380) of African chromosomes by the Exome Aggregation Consortium (ExAC; dbSNP rs571234750).

NM_004568.6(SERPINB6):c.231C>T (p.Thr77=)

Gene: SERPINB6 (serpin family B member 6; minus strand). Cytogenetic location: 6p25.2.
Variant type: single nucleotide variant.
Coding change: c.231C>T on transcript NM_004568.6 (MANE Select); coding-DNA position 231, C replaced by T.
Protein change: p.Thr77=; no amino-acid change (threonine 77 retained).
Molecular consequence: synonymous variant. On other transcripts: non-coding transcript variant (1).
Genome position (GRCh38, 1-based): chr6:2,955,605, G>A on the plus strand (C>T on the coding strand, the complement: SERPINB6 is on the minus strand). VCF-style: chr6-2955605-G-A. GRCh37 (hg19) VCF-style: chr6-2955839-G-A.
Other names: c.243C>T, p.Thr81= (NM_001195291.3, NM_001374515.1); c.273C>T, p.Thr91= (NM_001271822.2); c.288C>T, p.Thr96= (NM_001271823.2); c.231C>T, p.Thr77= (NM_001271824.2, NM_001271825.2, NM_001297699.2 and 2 more transcripts); c.99C>T, p.Thr33= (NM_001374517.1).
Identifiers: ClinVar variation 666752 (VCV000666752.4), dbSNP rs571234750, ClinGen allele CA3617613.